The following is an entry in ClinVar:

ClinVar aggregate classification (germline): Pathogenic. Review status: reviewed by expert panel (3 of 4 stars). 6 submissions from 6 submitters: Pathogenic (1). 5 of the submissions do not count toward it. Last evaluated 2017-12-15.

Conditions:
Hereditary breast ovarian cancer syndrome. Also called: Hereditary breast and ovarian cancer syndrome; BRCA1- and BRCA2-Associated Hereditary Breast and Ovarian Cancer; Hereditary breast and/or ovarian cancer syndrome; Hereditary breast and ovarian cancer; Breast and ovarian cancer; Hereditary breast and ovarian cancer syndrome (HBOC). Identifiers: Orphanet 145, MedGen C0677776, MeSH D061325, MONDO:0003582. Disease mechanism: loss of function.
Breast-ovarian cancer, familial, susceptibility to, 2 (BROVCA2). Also called: BRCA2 Hereditary Breast and Ovarian Cancer. Identifiers: Orphanet 145, MedGen C2675520, MONDO:0012933, OMIM 612555. Disease mechanism: loss of function.

Submissions (6):

Evidence-based Network for the Interpretation of Germline Mutant Alleles (ENIGMA)
Classification: Pathogenic for Breast-ovarian cancer, familial, susceptibility to, 2. Last evaluated: 2017-12-15. Review status: reviewed by expert panel. Criteria: ENIGMA BRCA1/2 Classification Criteria (2017-06-29). Collection method: curation. Allele origin: germline. Study: ENIGMA.
Comment: Variant allele predicted to encode a truncated non-functional protein.

Revvity Omics, Revvity
Classification: Pathogenic. Last evaluated: 2023-07-20. Review status: criteria provided, single submitter. Criteria: ACMG Guidelines, 2015. Collection method: clinical testing. Allele origin: germline. Not counted in ClinVar's aggregate classification.

Labcorp Genetics (formerly Invitae), Labcorp
Classification: Pathogenic for Hereditary breast ovarian cancer syndrome. Last evaluated: 2023-04-26. Review status: criteria provided, single submitter. Criteria: Invitae Variant Classification Sherloc (09022015). Collection method: clinical testing. Allele origin: germline. Not counted in ClinVar's aggregate classification.
Comment: This sequence change creates a premature translational stop signal (p.Thr441Glnfs*18) in the BRCA2 gene. It is expected to result in an absent or disrupted protein product. Loss-of-function variants in BRCA2 are known to be pathogenic (PMID: 20104584). This variant is not present in population databases (gnomAD no frequency). This premature translational stop signal has been observed in individual(s) with Fanconi anemia (PMID: 16015582). This variant is also known as 1548del4. ClinVar contains an entry for this variant (Variation ID: 418992). For these reasons, this variant has been classified as Pathogenic.

Women's Health and Genetics/Laboratory Corporation of America, LabCorp
Classification: Pathogenic for Hereditary breast ovarian cancer syndrome. Last evaluated: 2021-07-22. Review status: criteria provided, single submitter. Criteria: LabCorp Variant Classification Summary - May 2015. Collection method: clinical testing. Allele origin: germline. Not counted in ClinVar's aggregate classification.
Comment: Variant summary: BRCA2 c.1321_1324delACTT (p.Thr441GlnfsX18) results in a premature termination codon, predicted to cause a truncation of the encoded protein or absence of the protein due to nonsense mediated decay, which are commonly known mechanisms for disease. Truncations downstream of this position have been classified as pathogenic by our laboratory. The variant was absent in 243182 control chromosomes (gnomAD). c.1321_1324delACTT has been reported in the literature in multiple individuals affected with breast and/or ovarian cancer (Kluska_2015, Ryu_2018, Lertkhachonsuk_2020), and was also reported in homozygous state in a patient with Fanconi anemia (Faivre_2005). These data indicate that the variant is very likely to be associated with disease. To our knowledge, no experimental evidence demonstrating an impact on protein function has been reported. Three other submitters, including an expert panel (ENIGMA), have provided clinical-significance assessments for this variant in ClinVar after 2014, and all classified the variant as pathogenic. Based on the evidence outlined above, the variant was classified as pathogenic.

GeneDx
Classification: Pathogenic. Last evaluated: 2021-01-11. Review status: criteria provided, single submitter. Criteria: GeneDx Variant Classification Process June 2021. Collection method: clinical testing. Allele origin: germline. Affected: yes. Not counted in ClinVar's aggregate classification.
Comment: Frameshift variant predicted to result in protein truncation or nonsense mediated decay in a gene for which loss-of-function is a known mechanism of disease; Observed in individuals with a personal or family history consistent with pathogenic variants in this gene (Ryu 2019, Lertkhachonsuk 2020); Not observed in large population cohorts (Lek 2016); Truncated variants in this gene are considered pathogenic by a well-established clinical consortium and/or database; This variant is associated with the following publications: (PMID: 16015582, 30350268, 32856869)

Laboratory for Molecular Medicine, Mass General Brigham Personalized Medicine
Classification: Pathogenic for Hereditary breast ovarian cancer syndrome. Last evaluated: 2017-01-27. Review status: criteria provided, single submitter. Criteria: ACMG Guidelines, 2015. Collection method: clinical testing. Allele origin: germline. Inheritance: Autosomal recessive inheritance. Not counted in ClinVar's aggregate classification.
Comment: This variant is predicted to cause a frameshift, which alters the protein’s amino acid sequence beginning at position 441 and leads to a premature termination codon 18 amino acids downstream. This alteration is then predicted to lead to a truncated or absent protein. Heterozygous loss of function of the BRCA2 gene is an established disease mechanism in hereditary breast and ovarian cancer (HBOC). In summary, this variant meets criteria to be classified as pathogenic for HBOC in an autosomal dominant manner.

Literature cited by the submitters: PubMed 20104584 (cited by Labcorp Genetics (formerly Invitae), Labcorp); PubMed 16015582 (cited by 3 submitters); PubMed 25948282 (cited by Women's Health and Genetics/Laboratory Corporation of America, LabCorp); PubMed 30350268 (cited by Women's Health and Genetics/Laboratory Corporation of America, LabCorp); PubMed 32856869 (cited by Women's Health and Genetics/Laboratory Corporation of America, LabCorp).

NM_000059.4(BRCA2):c.1321_1324del (p.Thr441fs)

Gene: BRCA2 (BRCA2 DNA repair associated; plus strand). Cytogenetic location: 13q13.1.
Variant type: Deletion.
Coding change: c.1321_1324del on transcript NM_000059.4 (MANE Select); coding-DNA positions 1321 to 1324, 4 bases deleted (ACTT; older notation c.1321_1324delACTT).
Protein change: p.Thr441fs; shifts the reading frame from threonine 441.
Molecular consequence: frameshift variant.
Genome position (GRCh38, 1-based): chr13:32,332,799-32,332,802, ACTT deleted; deleting any 4 consecutive bases within chr13:32,332,796-32,332,802 gives the same sequence; the c. name uses the placement nearest the transcript's 3' end. VCF-style (leftmost placement, unchanged base first): chr13-32332795-TCTTA-T. GRCh37 (hg19) VCF-style: chr13-32906932-TCTTA-T.
Other names: c.1321_1324delACTT (NM_000059.3); short protein forms T441fs.
Identifiers: ClinVar variation 418992 (VCV000418992.20), dbSNP rs1064793572, ClinGen allele CA16619656.